The following is an entry in ClinVar:

NM_000051.4(ATM):c.4084_4085del (p.Ser1362fs)

Gene: ATM (ATM serine/threonine kinase; plus strand). Cytogenetic location: 11q22.3.
Variant type: Microsatellite.
Coding change: c.4084_4085del on transcript NM_000051.4 (MANE Select); coding-DNA positions 4084 to 4085, 2 bases deleted (AG; older notation c.4084_4085delAG).
Protein change: p.Ser1362fs; shifts the reading frame from serine 1362.
Molecular consequence: frameshift variant.
Genome position (GRCh38, 1-based): chr11:108,287,690-108,287,691, AG deleted; deleting any 2 consecutive bases within chr11:108,287,688-108,287,691 gives the same sequence; the c. name uses the placement nearest the transcript's 3' end. VCF-style (leftmost placement, unchanged base first): chr11-108287687-CAG-C. GRCh37 (hg19) VCF-style: chr11-108158414-CAG-C.
Other names: c.4084_4085del, p.Ser1362fs (NM_001351834.2); c.4084_4085delAG (NM_000051.3); short protein forms S1362fs.
Identifiers: ClinVar variation 265342 (VCV000265342.12), dbSNP rs886039488, ClinGen allele CA10588499.

ClinVar aggregate classification (germline): Pathogenic/Likely pathogenic. Review status: criteria provided, multiple submitters, no conflicts (2 of 4 stars). 5 submissions from 5 submitters: Pathogenic (3); Likely pathogenic (2). Last evaluated 2024-10-09.

Conditions:
Familial cancer of breast. Also called: hereditary breast carcinoma; BREAST CANCER, FAMILIAL; Hereditary breast cancer. Identifiers: Orphanet 227535, MedGen C0346153, MONDO:0016419, OMIM 114480. Disease mechanism: loss of function.
Hereditary cancer-predisposing syndrome. Also called: Neoplastic Syndromes, Hereditary; Hereditary neoplastic syndrome; Hereditary Cancer Syndrome; Tumor predisposition. Identifiers: Orphanet 140162, MedGen C0027672, MeSH D009386, MONDO:0015356.

Submissions (5):

Myriad Genetics, Inc.
Classification: Pathogenic for Familial cancer of breast. Last evaluated: 2024-10-09. Review status: criteria provided, single submitter. Criteria: Myriad Autosomal Dominant, Autosomal Recessive and X-Linked Classification Criteria (2023). Collection method: clinical testing. Allele origin: unknown.
Comment: This variant is considered pathogenic. This variant creates a frameshift predicted to result in premature protein truncation.

Quest Diagnostics Nichols Institute San Juan Capistrano
Classification: Likely pathogenic. Last evaluated: 2024-09-02. Review status: criteria provided, single submitter. Criteria: Quest Diagnostics criteria. Collection method: clinical testing. Allele origin: unknown.
Comment: The ATM c.4084_4085del (p.Ser1362Hisfs*2) variant alters the translational reading frame of the ATM mRNA and is predicted to cause the premature termination of ATM protein synthesis. This variant has not been reported in individuals with ATM-related conditions in the published literature. This variant has not been reported in large, multi-ethnic general populations (Genome Aggregation Database). Based on the available information, this variant is classified as likely pathogenic.

Color Diagnostics, LLC DBA Color Health
Classification: Pathogenic for Hereditary cancer-predisposing syndrome. Last evaluated: 2020-05-14. Review status: criteria provided, single submitter. Criteria: ACMG Guidelines, 2015. Collection method: clinical testing. Allele origin: germline.
Comment: This variant deletes 2 nucleotides in exon 27 of the ATM gene, creating a frameshift and premature translation stop signal. This variant is expected to result in an absent or non-functional protein product. To our knowledge, this variant has not been reported in individuals affected with hereditary cancer in the literature. This variant has not been identified in the general population by the Genome Aggregation Database (gnomAD). Loss of ATM function is a known mechanism of disease. Based on the available evidence, this variant is classified as Pathogenic.

GeneDx
Classification: Likely pathogenic. Last evaluated: 2016-07-12. Review status: criteria provided, single submitter. Criteria: GeneDx Variant Classification (06012015). Collection method: clinical testing. Allele origin: germline. Affected: yes.
Comment: This deletion of two nucleotides in ATM is denoted c.4084_4085delAG at the cDNA level and p.Ser1362HisfsX2 (S1362HfsX2) at the protein level. The normal sequence, with the bases that are deleted in braces, is TCAG[AG]CACT. The deletion causes a frameshift, which changes a Serine to a Histidine at codon 1362, and creates a premature stop codon at position 2 of the new reading frame. Although this variant has not, to our knowledge, been reported in the literature, it is predicted to cause loss of normal protein function through either protein truncation or nonsense-mediated mRNA decay. Based on currently available evidence, we consider this variant to be likely pathogenic.

Ambry Genetics
Classification: Pathogenic for Hereditary cancer-predisposing syndrome. Last evaluated: 2016-05-05. Review status: criteria provided, single submitter. Criteria: Ambry Variant Classification Scheme 2023. Collection method: clinical testing. Allele origin: germline.
Comment: The c.4084_4085delAG pathogenic mutation, located in coding exon 26 of the ATM gene, results from a deletion of two nucleotides between positions 4084 and 4085, causing a translational frameshift with a predicted alternate stop codon. Since frameshifts are typically deleterious in nature, this alteration is interpreted as a disease-causing mutation (ACMG Recommendations for Standards for Interpretation and Reporting of Sequence Variations. Revision 2007. Genet Med. 2008;10:294).